The following is an entry in ClinVar:

ClinVar aggregate classification (germline): Pathogenic/Likely pathogenic. Review status: criteria provided, multiple submitters, no conflicts (2 of 4 stars). 7 submissions from 7 submitters: Pathogenic (5); Likely pathogenic (2). Last evaluated 2026-07-13.

Conditions:
Inherited phaeochromocytoma and paraganglioma excluding NF1.
Hereditary pheochromocytoma and paraganglioma. Also called: Hereditary paragangliomas and pheochromocytomas; Hereditary Paraganglioma-Pheochromocytoma Syndromes; Hereditary pheochromocytoma-paraganglioma. Identifiers: Orphanet 29072, MedGen C4274332, MONDO:0017366.
Pheochromocytoma/paraganglioma syndrome 2. Also called: SDHAF2-Related Hereditary Paraganglioma-Pheochromocytoma Syndrome; GLOMUS TUMORS, FAMILIAL, 2; Paragangliomas 2; SDHAF2-Related Hereditary Paraganglioma-Pheochromocytoma Syndrome (Paragangliomas 2). Identifiers: Orphanet 29072, MedGen C1866552, MONDO:0011121, OMIM 601650.
Hereditary cancer-predisposing syndrome. Also called: Tumor predisposition; Hereditary Cancer Syndrome; Hereditary neoplastic syndrome; Neoplastic Syndromes, Hereditary. Identifiers: Orphanet 140162, MedGen C0027672, MeSH D009386, MONDO:0015356.

Submissions (7):

Myriad Genetics, Inc.
Classification: Pathogenic for Pheochromocytoma/paraganglioma syndrome 2. Last evaluated: 2026-07-13. Review status: criteria provided, single submitter. Criteria: Myriad Autosomal Dominant, Autosomal Recessive and X-Linked Classification Criteria (2023). Collection method: clinical testing. Allele origin: unknown.
Comment: This variant is considered pathogenic. This variant creates a frameshift predicted to result in premature protein truncation.

NHS Central & South Genomic Laboratory Hub
Classification: Likely pathogenic for Inherited phaeochromocytoma and paraganglioma excluding NF1. Last evaluated: 2026-04-22. Review status: criteria provided, single submitter. Criteria: ACMG Guidelines, 2015. Collection method: clinical testing. Allele origin: germline. Affected: yes.

Labcorp Genetics (formerly Invitae), Labcorp
Classification: Pathogenic for Hereditary pheochromocytoma and paraganglioma. Last evaluated: 2025-12-21. Review status: criteria provided, single submitter. Criteria: Invitae Variant Classification Sherloc (09022015). Collection method: clinical testing. Allele origin: germline.
Comment: This sequence change creates a premature translational stop signal (p.Arg77Glyfs*10) in the SDHAF2 gene. It is expected to result in an absent or disrupted protein product. Loss-of-function variants in SDHAF2 are known to be pathogenic (PMID: 22241717, 26096992). This variant is present in population databases (no rsID available, gnomAD 0.0009%). This variant has not been reported in the literature in individuals affected with SDHAF2-related conditions. ClinVar contains an entry for this variant (Variation ID: 1452374). For these reasons, this variant has been classified as Pathogenic.

Color Diagnostics, LLC DBA Color Health
Classification: Pathogenic for Hereditary pheochromocytoma and paraganglioma. Last evaluated: 2025-09-16. Review status: criteria provided, single submitter. Criteria: ACMG Guidelines, 2015. Collection method: clinical testing. Allele origin: germline.
Comment: This variant deletes 2 nucleotides in exon 2 of the SDHAF2 gene, creating a frameshift and premature translation stop signal. This variant is expected to result in an absent or non-functional protein product. To our knowledge, this variant has not been reported in individuals affected with SDHAF2-related disorders in the literature. This variant has been identified in 1/249854 chromosomes in the general population by the Genome Aggregation Database (gnomAD). Based on the available evidence, this variant is classified as Pathogenic.

Ambry Genetics
Classification: Pathogenic for Hereditary cancer-predisposing syndrome. Last evaluated: 2024-09-22. Review status: criteria provided, single submitter. Criteria: Ambry Variant Classification Scheme 2023. Collection method: clinical testing. Allele origin: germline.
Comment: The c.229_230delAG pathogenic mutation, located in coding exon 2 of the SDHAF2 gene, results from a deletion of two nucleotides at nucleotide positions 229 to 230, causing a translational frameshift with a predicted alternate stop codon (p.R77Gfs*10). This variant is considered to be rare based on population cohorts in the Genome Aggregation Database (gnomAD). This alteration is expected to result in loss of function by premature protein truncation or nonsense-mediated mRNA decay. As such, this alteration is interpreted as a disease-causing mutation.

All of Us Research Program, National Institutes of Health
Classification: Pathogenic for Hereditary pheochromocytoma and paraganglioma. Last evaluated: 2023-07-19. Review status: criteria provided, single submitter. Criteria: ACMG Guidelines, 2015. Collection method: clinical testing. Allele origin: germline. Inheritance: Autosomal dominant inheritance. Observed: 1 variant allele, 1 heterozygote.
Comment: This variant deletes 2 nucleotides in exon 2 of the SDHAF2 gene, creating a frameshift and premature translation stop signal. This variant is expected to result in an absent or non-functional protein product. To our knowledge, this variant has not been reported in individuals affected with SDHAF2-related disorders in the literature. This variant has been identified in 1/249854 chromosomes in the general population by the Genome Aggregation Database (gnomAD). Based on the available evidence, this variant is classified as Pathogenic.

This study involves interpretation of variants in research participants for the purpose of population health screening. Participant phenotype was not available at the time of variant classification. Additional details can be found in publication PMID: 35346344, PMCID: PMC8962531

Baylor Genetics
Classification: Likely pathogenic for Pheochromocytoma/paraganglioma syndrome 2. Last evaluated: 2022-09-19. Review status: criteria provided, single submitter. Criteria: ACMG Guidelines, 2015. Collection method: clinical testing. Allele origin: unknown.

Literature cited by the submitters: PubMed 22241717 (cited by Labcorp Genetics (formerly Invitae), Labcorp); PubMed 26096992 (cited by Labcorp Genetics (formerly Invitae), Labcorp).

NM_017841.4(SDHAF2):c.229_230del (p.Arg77fs)

Gene: SDHAF2 (succinate dehydrogenase complex assembly factor 2; plus strand). Cytogenetic location: 11q12.2.
Variant type: Microsatellite.
Coding change: c.229_230del on transcript NM_017841.4 (MANE Select); coding-DNA positions 229 to 230, 2 bases deleted (AG; older notation c.229_230delAG).
Protein change: p.Arg77fs; shifts the reading frame from arginine 77.
Molecular consequence: frameshift variant.
Genome position (GRCh38, 1-based): chr11:61,437,817-61,437,818, AG deleted; deleting any 2 consecutive bases within chr11:61,437,815-61,437,818 gives the same sequence; the c. name uses the placement nearest the transcript's 3' end. VCF-style (leftmost placement, unchanged base first): chr11-61437814-AAG-A. GRCh37 (hg19) VCF-style: chr11-61205286-AAG-A.
Other names: c.229_230delAG (NM_017841.2); short protein forms R77fs.
Identifiers: ClinVar variation 1452374 (VCV001452374.13), dbSNP rs1336819076, ClinGen allele CA599794906.
Genomic context (GRCh38, chr11:61,437,814, plus strand): 5'-CAGGAGAGAACTGATGAATCCATAGAAACCAAAAGAGCCCGCCTGCTCTATGAGAGCAGA[AAG>A]AGGGGAATGTTGGAAAACTGCATTCTTCTTAGGTATGGGACTAGGAGTCTTTTTTTTTAA-3'